The following is an entry in ClinVar:

ClinVar aggregate classification (germline): Uncertain significance (1 of 4 stars; one submission).

Conditions:
PCNT-related disorder. Also called: PCNT-related condition.

gnomAD v4.1: 1 of 1,613,584 alleles (0.000062%); highest among the groups gnomAD compares: Non-Finnish European, 0.000085%; no homozygotes.

Submission:

PreventionGenetics, part of Exact Sciences
Classification: Uncertain significance for PCNT-related condition. Last evaluated: 2025-11-18. Review status: criteria provided, single submitter. Criteria: ACMG Guidelines, 2015. Collection method: clinical testing. Allele origin: germline.
Comment: The PCNT c.1462C>T variant is predicted to result in the amino acid substitution p.His488Tyr. To our knowledge, this variant has not been reported in the literature. This variant is reported in 0.00088% of alleles in individuals of European (Non-Finnish) descent in gnomAD. At this time, the clinical significance of this variant is uncertain due to the absence of conclusive functional and genetic evidence.

NM_006031.6(PCNT):c.1462C>T (p.His488Tyr)

Gene: PCNT (pericentrin; plus strand). Cytogenetic location: 21q22.3.
Variant type: single nucleotide variant.
Coding change: c.1462C>T on transcript NM_006031.6 (MANE Select); coding-DNA position 1462, C replaced by T.
Protein change: p.His488Tyr; replaces histidine 488 with tyrosine.
Molecular consequence: missense variant.
Genome position (GRCh38, 1-based): chr21:46,353,109, C>T. VCF-style: chr21-46353109-C-T. GRCh37 (hg19) VCF-style: chr21-47773023-C-T.
Other names: c.1108C>T, p.His370Tyr (NM_001315529.2); short protein forms H488Y, H370Y.
Identifiers: ClinVar variation 4978068 (VCV004978068.1).